The following is an entry in ClinVar:

ClinVar aggregate classification (germline): Uncertain significance. Review status: criteria provided, multiple submitters, no conflicts (2 of 4 stars). 2 submissions from 2 submitters: Uncertain significance (2). Last evaluated 2025-08-11.

Conditions:
Inborn genetic diseases. Identifiers: MedGen C0950123, MeSH D030342.

Allele frequency attached by ClinVar (database versions not stated): gnomAD 0.00001; gnomAD exomes 0.00001 and 0.00002; 1000 Genomes Project 0.00020; ExAC 0.00003; 1000 Genomes Project 30x 0.00016.
gnomAD v4.1: 18 of 1,614,184 alleles (0.0011%); highest among the groups gnomAD compares: East Asian, 0.0045%; no homozygotes.

Submissions (2):

GeneDx
Classification: Uncertain significance. Last evaluated: 2025-08-11. Review status: criteria provided, single submitter. Criteria: GeneDx Variant Classification Process June 2021. Collection method: clinical testing. Allele origin: germline. Affected: yes.
Comment: In silico analysis suggests that this missense variant does not alter protein structure/function; Has not been previously published as pathogenic or benign to our knowledge; This variant is associated with the following publications: (PMID: 21520338, 31554319, 9590290)

Ambry Genetics
Classification: Uncertain significance for Inborn genetic diseases. Last evaluated: 2025-06-26. Review status: criteria provided, single submitter. Criteria: Ambry Variant Classification Scheme 2023. Collection method: clinical testing. Allele origin: germline.

NM_005422.4(TECTA):c.1285G>A (p.Val429Met)

Genes: TBCEL-TECTA (TBCEL-TECTA readthrough; plus strand), TECTA (tectorin alpha; plus strand). Cytogenetic location: 11q23.3.
Variant type: single nucleotide variant.
Coding change: c.1285G>A on transcript NM_005422.4 (MANE Select); coding-DNA position 1285, G replaced by A.
Protein change: p.Val429Met; replaces valine 429 with methionine.
Molecular consequence: missense variant.
Genome position (GRCh38, 1-based): chr11:121,125,383, G>A. VCF-style: chr11-121125383-G-A. GRCh37 (hg19) VCF-style: chr11-120996092-G-A.
Other names: c.2242G>A, p.Val748Met (NM_001378761.1); short protein forms V429M, V748M.
Identifiers: ClinVar variation 302997 (VCV000302997.7), dbSNP rs544916783, ClinGen allele CA6326722.